The following is an entry in ClinVar:

NM_020937.4(FANCM):c.2108T>C (p.Ile703Thr)

Gene: FANCM (FA complementation group M; plus strand). Cytogenetic location: 14q21.2.
Variant type: single nucleotide variant.
Coding change: c.2108T>C on transcript NM_020937.4 (MANE Select); coding-DNA position 2108, T replaced by C.
Protein change: p.Ile703Thr; replaces isoleucine 703 with threonine.
Molecular consequence: missense variant.
Genome position (GRCh38, 1-based): chr14:45,170,694, T>C. VCF-style: chr14-45170694-T-C. GRCh37 (hg19) VCF-style: chr14-45639897-T-C.
Other names: c.2030T>C, p.Ile677Thr (NM_001308133.2); short protein forms I677T, I703T.
Identifiers: ClinVar variation 3392950 (VCV003392950.2).

ClinVar aggregate classification (germline): Uncertain significance. Review status: criteria provided, multiple submitters, no conflicts (2 of 4 stars). 2 submissions from 2 submitters: Uncertain significance (2). Last evaluated 2025-07-25.

Conditions:
Inborn genetic diseases. Identifiers: MedGen C0950123, MeSH D030342.

gnomAD v4.1: 1 of 1,610,648 alleles (0.000062%); highest among the groups gnomAD compares: Non-Finnish European, 0.000085%; no homozygotes.

Submissions (2):

Ambry Genetics
Classification: Uncertain significance for Inborn genetic diseases. Last evaluated: 2025-07-25. Review status: criteria provided, single submitter. Criteria: Ambry Variant Classification Scheme 2023. Collection method: clinical testing. Allele origin: germline.
Comment: The p.I703T variant (also known as c.2108T>C), located in coding exon 12 of the FANCM gene, results from a T to C substitution at nucleotide position 2108. The isoleucine at codon 703 is replaced by threonine, an amino acid with similar properties. This amino acid position is conserved. In addition, this alteration is predicted to be tolerated by in silico analysis. Based on the available evidence, the clinical significance of this variant remains unclear.

GeneDx
Classification: Uncertain significance. Last evaluated: 2024-06-27. Review status: criteria provided, single submitter. Criteria: GeneDx Variant Classification Process June 2021. Collection method: clinical testing. Allele origin: germline. Affected: yes.
Comment: Not observed at significant frequency in large population cohorts (gnomAD); In silico analysis supports that this missense variant has a deleterious effect on protein structure/function; Has not been previously published as pathogenic or benign to our knowledge